The following is an entry in ClinVar:

ClinVar aggregate classification (germline): Uncertain significance (1 of 4 stars; one submission).

Allele frequency attached by ClinVar (database versions not stated): TOPMed below 0.00001; ExAC 0.00001; gnomAD 0.00001; ESP Exome Variant Server 0.00008.
gnomAD v4.1: 1 of 1,612,904 alleles (0.000062%); highest among the groups gnomAD compares: African/African-American, 0.0013%; no homozygotes.

Submission:

Labcorp Genetics (formerly Invitae), Labcorp
Classification: Uncertain significance. Last evaluated: 2023-06-10. Review status: criteria provided, single submitter. Criteria: Invitae Variant Classification Sherloc (09022015). Collection method: clinical testing. Allele origin: germline.
Comment: In summary, the available evidence is currently insufficient to determine the role of this variant in disease. Therefore, it has been classified as a Variant of Uncertain Significance. An algorithm developed to predict the effect of missense changes on protein structure and function (PolyPhen-2) suggests that this variant is likely to be disruptive. This variant has not been reported in the literature in individuals affected with HMCN1-related conditions. This variant is present in population databases (rs376132810, gnomAD 0.007%). This sequence change replaces aspartic acid, which is acidic and polar, with asparagine, which is neutral and polar, at codon 1144 of the HMCN1 protein (p.Asp1144Asn).

NM_031935.3(HMCN1):c.3430G>A (p.Asp1144Asn)

Gene: HMCN1 (hemicentin 1; plus strand). Cytogenetic location: 1q31.1.
Variant type: single nucleotide variant.
Coding change: c.3430G>A on transcript NM_031935.3 (MANE Select); coding-DNA position 3430, G replaced by A.
Protein change: p.Asp1144Asn; replaces aspartic acid 1144 with asparagine.
Molecular consequence: missense variant.
Genome position (GRCh38, 1-based): chr1:185,993,234, G>A. VCF-style: chr1-185993234-G-A. GRCh37 (hg19) VCF-style: chr1-185962366-G-A.
Other names: short protein forms D1144N.
Identifiers: ClinVar variation 2709671 (VCV002709671.3), dbSNP rs376132810, ClinGen allele CA1291719.